The following is an entry in ClinVar:

NM_001042545.2(LTBP4):c.4596C>T (p.Ser1532=)

Gene: LTBP4 (latent transforming growth factor beta binding protein 4; plus strand). Cytogenetic location: 19q13.2.
Variant type: single nucleotide variant.
Coding change: c.4596C>T on transcript NM_001042545.2 (MANE Select); coding-DNA position 4596, C replaced by T.
Protein change: p.Ser1532=; no amino-acid change (serine 1532 retained).
Molecular consequence: synonymous variant.
Genome position (GRCh38, 1-based): chr19:40,629,472, C>T. VCF-style: chr19-40629472-C-T. GRCh37 (hg19) VCF-style: chr19-41135377-C-T.
Other names: c.4797C>T, p.Ser1599= (NM_001042544.1); c.4686C>T, p.Ser1562= (NM_003573.2).
Identifiers: ClinVar variation 1209362 (VCV001209362.12), dbSNP rs750964969, ClinGen allele CA9449389.
Genomic context (GRCh38, chr19:40,629,472, plus strand): 5'-TGAGGCCGAGGCTGCCTCCCCGCTGTGCGTCAACGCGCGTTGCCTCAACACGGATGGCTC[C>T]TTCCGCTGCATCTGCCGCCCGGGATTCGCACCCACGCACCAGCCGCACCACTGTGCGCCC-3'
Protein context (NP_001036010.1, residues 1522-1542): VNARCLNTDG[Ser1532=]FRCICRPGFA

ClinVar aggregate classification (germline): Likely benign. Review status: criteria provided, multiple submitters, no conflicts (2 of 4 stars). 3 submissions from 3 submitters: Likely benign (2). 1 of the submissions does not count toward it. Last evaluated 2026-01-06.

Conditions:
LTBP4-related disorder. Also called: LTBP4-related condition.

Allele frequency attached by ClinVar (database versions not stated): gnomAD 0.00009 and 0.00011; ExAC 0.00010; gnomAD exomes 0.00011; TOPMed 0.00013.

Submissions (3):

Labcorp Genetics (formerly Invitae), Labcorp
Classification: Likely benign. Last evaluated: 2026-01-06. Review status: criteria provided, single submitter. Criteria: Invitae Variant Classification Sherloc (09022015). Collection method: clinical testing. Allele origin: germline.

GeneDx
Classification: Likely benign. Last evaluated: 2020-08-28. Review status: criteria provided, single submitter. Criteria: GeneDx Variant Classification Process June 2021. Collection method: clinical testing. Allele origin: germline. Affected: yes.

PreventionGenetics, part of Exact Sciences
Classification: Likely benign for LTBP4-related condition. Last evaluated: 2024-08-07. Review status: no assertion criteria provided. Collection method: clinical testing. Allele origin: germline. Not counted in ClinVar's aggregate classification.
Comment: This variant is classified as likely benign based on ACMG/AMP sequence variant interpretation guidelines (Richards et al. 2015 PMID: 25741868, with internal and published modifications).